The following is an entry in ClinVar:

ClinVar aggregate classification (germline): Uncertain significance (1 of 4 stars; one submission).

Submission:

Labcorp Genetics (formerly Invitae), Labcorp
Classification: Uncertain significance. Last evaluated: 2022-10-14. Review status: criteria provided, single submitter. Criteria: Invitae Variant Classification Sherloc (09022015). Collection method: clinical testing. Allele origin: germline.
Comment: In summary, the available evidence is currently insufficient to determine the role of this variant in disease. Therefore, it has been classified as a Variant of Uncertain Significance. Algorithms developed to predict the effect of missense changes on protein structure and function are either unavailable or do not agree on the potential impact of this missense change (SIFT: "Tolerated"; PolyPhen-2: "Probably Damaging"; Align-GVGD: "Class C0"). This variant has not been reported in the literature in individuals affected with PODXL-related conditions. This variant is not present in population databases (gnomAD no frequency). This sequence change replaces aspartic acid, which is acidic and polar, with asparagine, which is neutral and polar, at codon 460 of the PODXL protein (p.Asp460Asn).

NM_001018111.3(PODXL):c.1474G>A (p.Asp492Asn)

Gene: PODXL (podocalyxin like; minus strand). Cytogenetic location: 7q32.3.
Variant type: single nucleotide variant.
Coding change: c.1474G>A on transcript NM_001018111.3 (MANE Select); coding-DNA position 1474, G replaced by A.
Protein change: p.Asp492Asn; replaces aspartic acid 492 with asparagine.
Molecular consequence: missense variant.
Genome position (GRCh38, 1-based): chr7:131,505,873, C>T on the plus strand (G>A on the coding strand, the complement: PODXL is on the minus strand). VCF-style: chr7-131505873-C-T. GRCh37 (hg19) VCF-style: chr7-131190632-C-T.
Other names: c.1378G>A, p.Asp460Asn (NM_005397.4); short protein forms D460N, D492N.
Identifiers: ClinVar variation 1993350 (VCV001993350.4), dbSNP rs1460358552, ClinGen allele CA369299186.